The following is an entry in ClinVar:

ClinVar aggregate classification (germline): Pathogenic/Likely pathogenic. Review status: criteria provided, multiple submitters, no conflicts (2 of 4 stars). 15 submissions from 15 submitters: Pathogenic (8); Likely pathogenic (6). 1 of the submissions does not count toward it. Last evaluated 2026-08-18.

Conditions:
CYP2R1-related disorder. Also called: CYP2R1-related condition.
Hypophosphataemia or rickets.
CYP2R1-related disorders.
Vitamin D hydroxylation-deficient rickets, type 1B. Also called: Rickets due to Defect in Vitamin D 25-hydroxylation; PSEUDOVITAMIN D3 DEFICIENCY RICKETS DUE TO 25-HYDROXYLASE DEFICIENCY; VITAMIN D-DEPENDENT RICKETS, TYPE 1B. Identifiers: Orphanet 289157, MedGen C1838657, MONDO:0010810, OMIM 600081.
Vitamin D-dependent rickets, type 1 (VDD1). Also called: VITAMIN D DEPENDENCY, TYPE 1. Identifiers: Orphanet 289157, MedGen C0268689, MONDO:0009924.

Allele frequency attached by ClinVar (database versions not stated): gnomAD exomes 0.00010 and 0.00024; ExAC 0.00035; gnomAD 0.00104 and 0.00107; TOPMed 0.00119; 1000 Genomes Project 0.00140; 1000 Genomes Project 30x 0.00172.
gnomAD v4.1: 311 of 1,613,700 alleles (0.019%); highest among the groups gnomAD compares: African/African-American, 0.38%; no homozygotes.

Submissions 1 to 10 of 15:

PreventionGenetics, part of Exact Sciences
Classification: Pathogenic for CYP2R1-related condition. Last evaluated: 2026-08-18. Review status: criteria provided, single submitter. Criteria: ACMG Guidelines, 2015. Collection method: clinical testing. Allele origin: germline.
Comment: The CYP2R1 c.296T>C variant is predicted to result in the amino acid substitution p.Leu99Pro. This variant has been reported in the homozygous state in at least three families with Rickets, segregates with disease, and has been described as a founder variant in the African population (Cheng et al. 2004. PubMed ID: 15128933; Thacher et al. 2015. PubMed ID: 25942481; Molin et al. 2017. PubMed ID: 28548312). Additionally, functional studies indicate the p.Leu99Pro variant leads to the loss of vitamin D 25-hydroxylase enzyme activity (Cheng et al. 2004. PubMed ID: 15128933; Thacher et al. 2015. PubMed ID: 25942481). Based on the available evidence, we consider the CYP2R1 c.296T>C (p.Leu99Pro) variant to be pathogenic.

GeneDx
Classification: Pathogenic. Last evaluated: 2026-01-25. Review status: criteria provided, single submitter. Criteria: GeneDx Variant Classification Process June 2021. Collection method: clinical testing. Allele origin: germline.
Comment: Published functional studies found this variant is associated with significantly reduced enzyme activity (PMID: 15128933, 25942481, 28548312); In silico analysis supports that this missense variant has a deleterious effect on protein structure/function; This variant is associated with the following publications: (PMID: 34944511, 35739987, 25942481, 22855339, 25003556, 15465040, 18511070, 24497297, 23548573, 8201479, 10969262, 32344004, 31841498, 30777056, 32430692, 33715104, 32596195, 27473561, 28716760, 34199067, 28548312, 32115644, 31589614, 15128933, 33626316, 35973571, 34137732, 34633109, 38440125, 36072127, 39893280)

Labcorp Genetics (formerly Invitae), Labcorp
Classification: Pathogenic. Last evaluated: 2025-11-11. Review status: criteria provided, single submitter. Criteria: Invitae Variant Classification Sherloc (09022015). Collection method: clinical testing. Allele origin: germline.
Comment: This sequence change replaces leucine, which is neutral and non-polar, with proline, which is neutral and non-polar, at codon 99 of the CYP2R1 protein (p.Leu99Pro). This variant is present in population databases (rs61495246, gnomAD 0.4%). This missense change has been observed in individuals with rickets (PMID: 15128933, 25942481, 28548312). It has also been observed to segregate with disease in related individuals. ClinVar contains an entry for this variant (Variation ID: 2134). An algorithm developed to predict the effect of missense changes on protein structure and function (PolyPhen-2) suggests that this variant is likely to be disruptive. Experimental studies have shown that this missense change affects CYP2R1 function (PMID: 15128933, 25942481). For these reasons, this variant has been classified as Pathogenic.

Clinical Biomedical Laboratory, Shriners Hospital For Children - Canada
Classification: Pathogenic for Vitamin D hydroxylation-deficient rickets, type 1B. Last evaluated: 2025-10-05. Review status: criteria provided, single submitter. Criteria: ACMG Guidelines, 2015. Collection method: clinical testing. Allele origin: germline. Affected: yes.
Comment: This variant is predicted to substitute a leucine residue by a proline residue in CYP2R1. In the Genome Aggregation Database (gnomAD v2.1.1) this variant is very rare. Computational tools (REVEL: 0.775) suggest that the amino acid change is damaging to protein function. The affected nucleotide is conserved in evolution (PhyloP100 = 9.24, highly conserved). This variant has been published as a cause of calcipenic rickets in more than 10 publications (e.g. PMID 25942481).

Variantyx, Inc.
Classification: Likely pathogenic for Vitamin D hydroxylation-deficient rickets, type 1B. Last evaluated: 2025-03-14. Review status: criteria provided, single submitter. Criteria: Variantyx Assertion Criteria 2022. Collection method: clinical testing. Allele origin: germline.
Comment: This is a nonsynonymous variant in the CYP2R1 gene (OMIM: 608713). Pathogenic variants in this gene have been associated with autosomal recessive vitamin D hydroxylation deficient rickets type 1B. This variant has been observed to segregate with disease in at least 3 individuals from 1 family (PMID: 25942481) (PP1_Moderate). Functional studies have shown that this variant alters CYP2R1 protein function (PMID:32115644, 28548312, 15128933) (PS3). Multiple computational algorithms predict a deleterious effect for this variant (REVEL score: 0.775) (PP3_Moderate). This variant has a 0.3811% maximum allele frequency in non-founder control populations. Based on the current evidence, this variant is classified as likely pathogenic for autosomal recessive vitamin D hydroxylation deficient rickets type 1B.

3billion
Classification: Likely pathogenic for Vitamin D hydroxylation-deficient rickets, type 1B. Last evaluated: 2024-09-24. Review status: criteria provided, single submitter. Criteria: ACMG Guidelines, 2015. Collection method: clinical testing. Allele origin: germline. Affected: yes.
Comment: The variant is observed at an extremely low frequency in the gnomAD v4.0.0 dataset (total allele frequency: 0.019%). Predicted Consequence/Location: Missense variant. The majority of the known disease-causing variants of this gene are variants expected to result in premature termination of the protein. In silico tool predictions suggest damaging effect of the variant on gene or gene product [REVEL: 0.78 (>=0.6, sensitivity 0.68 and specificity 0.92); 3Cnet: 0.95 (>=0.6, sensitivity 0.72 and precision 0.9)]. The same nucleotide change resulting in the same amino acid change has been previously reported as pathogenic/likely pathogenic with strong evidence (ClinVar ID: VCV000002134 /PMID: 15128933). Therefore, this variant is classified as Likely pathogenic according to the recommendation of ACMG/AMP guideline.

Cambridge Genomics Laboratory, East Genomic Laboratory Hub, NHS Genomic Medicine Service
Classification: Pathogenic for Hypophosphataemia or rickets. Last evaluated: 2024-09-12. Review status: criteria provided, single submitter. Criteria: ACGS Best Practice Guidelines for Variant Classification in Rare Disease 2020. Collection method: clinical testing. Allele origin: germline. Affected: yes.
Comment: PS3_Supporting,PM2,PM3,PP1_Strong,PP3

Blueprint Genetics
Classification: Pathogenic for CYP2R1-related disorders. Last evaluated: 2024-05-27. Review status: criteria provided, single submitter. Criteria: ACMG Guidelines, 2015. Collection method: clinical testing. Allele origin: germline. Affected: yes. Observed: 4 variant alleles.

Fulgent Genetics
Classification: Likely pathogenic for Vitamin D hydroxylation-deficient rickets, type 1B. Last evaluated: 2024-04-24. Review status: criteria provided, single submitter. Criteria: ACMG Guidelines, 2015. Collection method: clinical testing. Allele origin: germline.

Laboratory for Molecular Medicine, Mass General Brigham Personalized Medicine
Classification: Likely pathogenic for Vitamin D-dependent rickets, type 1. Last evaluated: 2024-01-08. Review status: criteria provided, single submitter. Criteria: ACMG Guidelines, 2015. Collection method: clinical testing. Allele origin: germline.
Comment: The p.Leu99Pro variant in CYP2R1 has been reported in the homozygous state in 3 individuals (2 Nigerian and 1 Moroccan) with vitamin D-dependent rickets due to a disorder in vitamin D metabolism (Cheng 2004 PMID: 15128933, Thacher 2015 PMID: 25942481, Molin 2017 PMID: 28548312). The p.Leu99Pro variant also segregated with disease in 7 affected relatives from 2 families, 5 of whom were from the consanguineous family (Thacher 2015 PMID: 25942481, Molin 2017 PMID: 28548312). This variant has also been reported in the heterozygous state in one family with vitamin D-dependent rickets, where it segregated with disease in 2 affected relatives (Thacher 2015 PMID: 25942481). Affected heterozygotes in this family had milder symptoms suggesting that while vitamin D-dependent rickets is primarily an autosomal recessive disease, it has characteristics of semi dominant inheritance in this family. This variant has also been reported by other clinical laboratories in ClinVar (Variation ID: 2134) and has been identified in 0.37% (154/41454) of African chromosomes by gnomAD (v.3.1.2). Its increased frequency suggests that this may be a founder variant in this population, where the prevalence of rickets is relatively higher (Harris 2006 PMID: 16549493). In vitro functional studies provide some evidence that this variant impacts protein function (Cheng 2004 PMID: 15128933, Thacher 2015 PMID: 25942481, Molin 2017 PMID: 28548312, Casella 2020 PMID: 32115644) and computational prediction tools and conservation analyses are consistent with pathogenicity. In summary, although additional studies are required to fully establish its clinical significance, this variant meets criteria to be classified as likely pathogenic for autosomal recessive vitamin D-dependent rickets. ACMG/AMP Criteria applied: PP1_Moderate, PS3_Moderate, PM3, PP3.

NM_024514.5(CYP2R1):c.296T>C (p.Leu99Pro)

Genes: CYP2R1 (cytochrome P450 family 2 subfamily R member 1; minus strand), PDE3B (phosphodiesterase 3B; plus strand). Cytogenetic location: 11p15.2.
Variant type: single nucleotide variant.
Coding change: c.296T>C on transcript NM_024514.5 (MANE Select); coding-DNA position 296, T replaced by C.
Protein change: p.Leu99Pro; replaces leucine 99 with proline.
Molecular consequence: missense variant. On other transcripts: 5 prime UTR variant (4).
Genome position (GRCh38, 1-based): chr11:14,885,847, A>G on the plus strand (T>C on the coding strand, the complement: CYP2R1 is on the minus strand). VCF-style: chr11-14885847-A-G. GRCh37 (hg19) VCF-style: chr11-14907393-A-G.
Other names: c.-50T>C (NM_001377214.1, NM_001377215.1, NM_001377216.1 and 1 more transcripts); c.134T>C, p.Leu45Pro (NM_001377217.1); short protein forms L99P, L45P.
Identifiers: ClinVar variation 2134 (VCV000002134.32), dbSNP rs61495246, ClinGen allele CA115362.